The following is an entry in ClinVar:

ClinVar aggregate classification (germline): Uncertain significance (1 of 4 stars; one submission).

Allele frequency attached by ClinVar (database versions not stated): gnomAD exomes below 0.00001; ExAC 0.00001; gnomAD 0.00001.
gnomAD v4.1: 2 of 1,613,706 alleles (0.00012%); highest among the groups gnomAD compares: African/African-American, 0.0027%; no homozygotes.

Submission:

Labcorp Genetics (formerly Invitae), Labcorp
Classification: Uncertain significance. Last evaluated: 2022-10-09. Review status: criteria provided, single submitter. Criteria: Invitae Variant Classification Sherloc (09022015). Collection method: clinical testing. Allele origin: germline.
Comment: In summary, the available evidence is currently insufficient to determine the role of this variant in disease. Therefore, it has been classified as a Variant of Uncertain Significance. Algorithms developed to predict the effect of missense changes on protein structure and function (SIFT, PolyPhen-2, Align-GVGD) all suggest that this variant is likely to be disruptive. This variant has not been reported in the literature in individuals affected with RIMS1-related conditions. This variant is present in population databases (rs780919863, gnomAD 0.0009%). This sequence change replaces aspartic acid, which is acidic and polar, with valine, which is neutral and non-polar, at codon 190 of the RIMS1 protein (p.Asp190Val).

NM_014989.7(RIMS1):c.569A>T (p.Asp190Val)

Gene: RIMS1 (regulating synaptic membrane exocytosis 1; plus strand). Cytogenetic location: 6q13.
Variant type: single nucleotide variant.
Coding change: c.569A>T on transcript NM_014989.7 (MANE Select); coding-DNA position 569, A replaced by T.
Protein change: p.Asp190Val; replaces aspartic acid 190 with valine.
Molecular consequence: missense variant.
Genome position (GRCh38, 1-based): chr6:72,179,672, A>T. VCF-style: chr6-72179672-A-T. GRCh37 (hg19) VCF-style: chr6-72889375-A-T.
Other names: short protein forms D190V.
Identifiers: ClinVar variation 1907811 (VCV001907811.5), dbSNP rs780919863, ClinGen allele CA3885547.